The following is an entry in ClinVar:

NM_021076.4(NEFH):c.3010_3011del (p.Asp1004fs)

Gene: NEFH (neurofilament heavy chain; plus strand). Cytogenetic location: 22q12.2.
Variant type: Deletion.
Coding change: c.3010_3011del on transcript NM_021076.4 (MANE Select); coding-DNA positions 3010 to 3011, 2 bases deleted (GA; older notation c.3010_3011delGA).
Protein change: p.Asp1004fs; shifts the reading frame from aspartic acid 1004.
Molecular consequence: frameshift variant.
Genome position (GRCh38, 1-based): chr22:29,490,650-29,490,651, GA deleted; deleting any 2 consecutive bases within chr22:29,490,649-29,490,651 gives the same sequence; the c. name uses the placement nearest the transcript's 3' end. VCF-style (leftmost placement, unchanged base first): chr22-29490648-AAG-A. GRCh37 (hg19) VCF-style: chr22-29886637-AAG-A.
Other names: short protein forms D1004fs.
Identifiers: ClinVar variation 225630 (VCV000225630.8), dbSNP rs876657411, ClinGen allele CA10576036.

ClinVar aggregate classification (germline): Pathogenic/Likely pathogenic. Review status: criteria provided, multiple submitters, no conflicts (2 of 4 stars). 4 submissions from 4 submitters: Pathogenic (1); Likely pathogenic (2). 1 of the submissions does not count toward it. Last evaluated 2026-04-22.

Conditions:
Charcot-Marie-Tooth disease axonal type 2CC. Also called: CHARCOT-MARIE-TOOTH NEUROPATHY, TYPE 2CC. Identifiers: MedGen C4310790, MONDO:0014836, OMIM 616924.
Hereditary neuropathy or pain disorder.

Submissions (4):

NHS Central & South Genomic Laboratory Hub
Classification: Likely pathogenic for Hereditary neuropathy or pain disorder. Last evaluated: 2026-04-22. Review status: criteria provided, single submitter. Criteria: ACMG Guidelines, 2015. Collection method: clinical testing. Allele origin: germline. Affected: yes.

Variantyx, Inc.
Classification: Likely pathogenic for Charcot-Marie-Tooth disease axonal type 2CC. Last evaluated: 2025-03-14. Review status: criteria provided, single submitter. Criteria: Variantyx Assertion Criteria 2022. Collection method: clinical testing. Allele origin: maternal. Affected: yes.
Comment: This is a frameshift variant in the NEFH gene (OMIM: 162230). Pathogenic variants in this gene have been associated with autosomal dominant axonal Charcot-Marie-Tooth disease type 2CC. This variant has been reported in at least five affected individual(s) (PMID: 27040688, 34518334) (PS4_Supporting). Functional studies have shown that this variant alters NEFH protein function (PMID: 27040688, 28709447) (PS3). This variant is absent from control populations (PM2_Supporting). Based on the current evidence, this variant is classified as likely pathogenic for autosomal dominant axonal Charcot-Marie-Tooth disease type 2CC.

Labcorp Genetics (formerly Invitae), Labcorp
Classification: Pathogenic. Last evaluated: 2024-03-15. Review status: criteria provided, single submitter. Criteria: Invitae Variant Classification Sherloc (09022015). Collection method: clinical testing. Allele origin: germline.
Comment: This sequence change results in a frameshift in the NEFH gene (p.Asp1004Glnfs*58). While this is not anticipated to result in nonsense mediated decay, it is expected to disrupt the last 17 amino acid(s) of the NEFH protein and extend the protein by 40 additional amino acid residues. This variant is not present in population databases (gnomAD no frequency). This frameshift has been observed in individual(s) with Charcot-Marie-Tooth disease (PMID: 27040688). It has also been observed to segregate with disease in related individuals. ClinVar contains an entry for this variant (Variation ID: 225630). Algorithms developed to predict the effect of variants on protein structure and function are not available or were not evaluated for this variant. Experimental studies have shown that this frameshift affects NEFH function (PMID: 27040688). This variant results in an extension of the NEFH protein. Other variant(s) that result in a similarly extended protein product (p.Lys1020Glufs*43) have been determined to be pathogenic (PMID: 29587262, 30992180; Invitae). This suggests that these extensions are likely to be disease-causing. For these reasons, this variant has been classified as Pathogenic.

OMIM
Classification: Pathogenic for CHARCOT-MARIE-TOOTH DISEASE, AXONAL, TYPE 2CC. Last evaluated: 2016-06-24. Review status: no assertion criteria provided. Collection method: literature only. Allele origin: germline. Not counted in ClinVar's aggregate classification.

Literature cited by the submitters: PubMed 27040688 (cited by Labcorp Genetics (formerly Invitae), Labcorp and OMIM); PubMed 29587262 (cited by Labcorp Genetics (formerly Invitae), Labcorp); PubMed 30992180 (cited by Labcorp Genetics (formerly Invitae), Labcorp).